The following is an entry in ClinVar:

NM_018089.3(ANKZF1):c.1049-5G>A

Gene: ANKZF1 (ankyrin repeat and zinc finger peptidyl tRNA hydrolase 1; plus strand). Cytogenetic location: 2q35.
Variant type: single nucleotide variant.
Coding change: c.1049-5G>A on transcript NM_018089.3 (MANE Select); 5 bases into the intron before coding-DNA position 1049, G replaced by A.
Molecular consequence: intron variant.
Genome position (GRCh38, 1-based): chr2:219,234,128, G>A. VCF-style: chr2-219234128-G-A. GRCh37 (hg19) VCF-style: chr2-220098850-G-A.
Other names: c.1049-5G>A (NM_001042410.2); c.419-5G>A (NM_001282792.2).
Identifiers: ClinVar variation 3628088 (VCV003628088.2).

ClinVar aggregate classification (germline): Uncertain significance (1 of 4 stars; one submission).

gnomAD v4.1: 1 of 1,605,262 alleles (0.000062%); highest among the groups gnomAD compares: Non-Finnish European, 0.000085%; no homozygotes.

Submission:

Labcorp Genetics (formerly Invitae), Labcorp
Classification: Uncertain significance. Last evaluated: 2024-08-28. Review status: criteria provided, single submitter. Criteria: Invitae Variant Classification Sherloc (09022015). Collection method: clinical testing. Allele origin: germline.
Comment: This sequence change falls in intron 8 of the ANKZF1 gene. It does not directly change the encoded amino acid sequence of the ANKZF1 protein. This variant is not present in population databases (gnomAD no frequency). This variant has not been reported in the literature in individuals affected with ANKZF1-related conditions. Algorithms developed to predict the effect of sequence changes on RNA splicing suggest that this variant may create or strengthen a splice site. In summary, the available evidence is currently insufficient to determine the role of this variant in disease. Therefore, it has been classified as a Variant of Uncertain Significance.